The following is an entry in ClinVar:

ClinVar aggregate classification (germline): Likely benign (0 of 4 stars; one submission).

Conditions:
NRP2-related disorder. Also called: NRP2-related condition.

Allele frequency attached by ClinVar (database versions not stated): gnomAD exomes 0.00003; ExAC 0.00016; gnomAD 0.00039; 1000 Genomes Project 0.00040; TOPMed 0.00043; 1000 Genomes Project 30x 0.00047; ESP Exome Variant Server 0.00069.
gnomAD v4.1: 105 of 1,614,094 alleles (0.0065%); highest among the groups gnomAD compares: African/African-American, 0.12%; no homozygotes.

Submission:

PreventionGenetics, part of Exact Sciences
Classification: Likely benign for NRP2-related condition. Last evaluated: 2022-04-28. Review status: no assertion criteria provided. Collection method: clinical testing. Allele origin: germline.
Comment: This variant is classified as likely benign based on ACMG/AMP sequence variant interpretation guidelines (Richards et al. 2015 PMID: 25741868, with internal and published modifications).

NM_003872.3(NRP2):c.2590A>G (p.Ile864Val)

Gene: NRP2 (neuropilin 2; plus strand). Cytogenetic location: 2q33.3.
Variant type: single nucleotide variant.
Coding change: c.2590A>G on transcript NM_003872.3 (MANE Select); coding-DNA position 2590, A replaced by G.
Protein change: p.Ile864Val; replaces isoleucine 864 with valine.
Molecular consequence: missense variant.
Genome position (GRCh38, 1-based): chr2:205,794,867, A>G. VCF-style: chr2-205794867-A-G. GRCh37 (hg19) VCF-style: chr2-206659591-A-G.
Other names: c.2605A>G, p.Ile869Val (NM_201266.2); c.2539A>G, p.Ile847Val (NM_201279.2); short protein forms I847V, I864V, I869V.
Identifiers: ClinVar variation 3046201 (VCV003046201.2), dbSNP rs143404274, ClinGen allele CA2069619.